The following is an entry in ClinVar:

NM_003611.3(OFD1):c.1543-3C>T

Gene: OFD1 (OFD1 centriole and centriolar satellite protein; plus strand). Cytogenetic location: Xp22.2.
Variant type: single nucleotide variant.
Coding change: c.1543-3C>T on transcript NM_003611.3 (MANE Select); 3 bases into the intron before coding-DNA position 1543, C replaced by T.
Molecular consequence: intron variant.
Genome position (GRCh38, 1-based): chrX:13,758,334, C>T. VCF-style: chrX-13758334-C-T. GRCh37 (hg19) VCF-style: chrX-13776453-C-T.
Other names: c.1123-3C>T (NM_001330210.2); c.1423-3C>T (NM_001330209.2).
Identifiers: ClinVar variation 1486754 (VCV001486754.6), dbSNP rs1427426943, ClinGen allele CA871971901.

ClinVar aggregate classification (germline): Uncertain significance (1 of 4 stars; one submission).

Conditions:
Joubert syndrome. Also called: CEREBELLOPARENCHYMAL DISORDER IV; JOUBERT-BOLTSHAUSER SYNDROME; Familial aplasia of the vermis. Identifiers: Orphanet 475, MedGen C5979921, MONDO:0018772.
Orofaciodigital syndrome I (OFD1). Also called: OFDS I; Papillon-Leage and Psaume Syndrome; Oral-Facial-Digital Syndrome Type I. Identifiers: Orphanet 2750, MedGen C1510460, MONDO:0010702, OMIM 311200.

Allele frequency attached by ClinVar (database versions not stated): TOPMed below 0.00001; gnomAD 0.00001.
gnomAD v4.1: 1 of 1,144,330 alleles (0.000087%); highest among the groups gnomAD compares: African/African-American, 0.0018%; no homozygotes.

Submission:

Labcorp Genetics (formerly Invitae), Labcorp
Classification: Uncertain significance for Orofaciodigital syndrome I; Joubert syndrome. Last evaluated: 2025-06-12. Review status: criteria provided, single submitter. Criteria: Invitae Variant Classification Sherloc (09022015). Collection method: clinical testing. Allele origin: germline.
Comment: This sequence change falls in intron 14 of the OFD1 gene. It does not directly change the encoded amino acid sequence of the OFD1 protein. It affects a nucleotide within the consensus splice site. This variant is not present in population databases (gnomAD no frequency). This variant has not been reported in the literature in individuals affected with OFD1-related conditions. ClinVar contains an entry for this variant (Variation ID: 1486754). Variants that disrupt the consensus splice site are a relatively common cause of aberrant splicing (PMID: 17576681, 9536098). Algorithms developed to predict the effect of sequence changes on RNA splicing suggest that this variant is not likely to affect RNA splicing. In summary, the available evidence is currently insufficient to determine the role of this variant in disease. Therefore, it has been classified as a Variant of Uncertain Significance.

Literature cited by the submitters: PubMed 17576681; PubMed 9536098.